The following is an entry in ClinVar:

ClinVar aggregate classification (germline): Uncertain significance (1 of 4 stars; one submission).

Conditions:
Nemaline myopathy 2 (NEM2). Also called: Nemaline myopathy 2, autosomal recessive. Identifiers: MedGen C1850569, MONDO:0009725, OMIM 256030.

Submission:

Myriad Genetics, Inc.
Classification: Uncertain significance for Nemaline myopathy 2. Last evaluated: 2026-04-01. Review status: criteria provided, single submitter. Criteria: Myriad Autosomal Dominant, Autosomal Recessive and X-Linked Classification Criteria (2023). Collection method: clinical testing. Allele origin: unknown.
Comment: NM_001271208.1(NEB):c.19429-1G>A is a variant in a canonical splice site classified as a variant of uncertain significance in the context of NEB-related nemaline myopathy. c.19429-1G>A has not been observed in cases with relevant disease. Relevant functional assessments of this variant are not available in the literature. c.19429-1G>A has not been observed in referenced population frequency databases. In summary, there is insufficient evidence to classify NM_001271208.1(NEB):c.19429-1G>A as pathogenic or benign. Please note: this variant was assessed in the context of healthy population screening.

NM_001164508.2(NEB):c.19429-1G>A

Genes: NEB (nebulin; minus strand), LOC126806373 (BRD4-independent group 4 enhancer GRCh37_chr2:152410007-152411206; plus strand). Cytogenetic location: 2q23.3.
Variant type: single nucleotide variant.
Coding change: c.19429-1G>A on transcript NM_001164508.2 (MANE Select); the canonical splice acceptor site of the intron before coding-DNA position 19429, G replaced by A.
Molecular consequence: splice acceptor variant.
Genome position (GRCh38, 1-based): chr2:151,554,026, C>T on the plus strand (G>A on the coding strand, the complement: NEB is on the minus strand). VCF-style: chr2-151554026-C-T. GRCh37 (hg19) VCF-style: chr2-152410540-C-T.
Other names: c.14326-1G>A (NM_004543.5); c.19429-1G>A (NM_001164507.2, NM_001271208.2).
Identifiers: ClinVar variation 5004576 (VCV005004576.1).
Genomic context (GRCh38, chr2:151,554,026, plus strand): 5'-CATGTCGGGCACGATGTGGATTTTCATCTTGTTCTTTTCATAAACTGATCTGTACAGGCG[C>T]TGTAAAGTTAAAATCACATGCCAGTTATACAGGAAATTGTGCCAAGGCATCATGGCCATA-3'